The following is an entry in ClinVar:

ClinVar aggregate classification (germline): Pathogenic/Likely pathogenic. Review status: criteria provided, multiple submitters, no conflicts (2 of 4 stars). 3 submissions from 3 submitters: Pathogenic (1); Likely pathogenic (1). 1 of the submissions does not count toward it. Last evaluated 2025-05-15.

Conditions:
Aortic valve disease 1 (AOVD1). Identifiers: MedGen C3887892, MONDO:0024523, OMIM 109730.
Atrial septal defect 4 (ASD4). Identifiers: Orphanet 1478, MedGen C1969657, MONDO:0012654, OMIM 611363.

Submissions (3):

Labcorp Genetics (formerly Invitae), Labcorp
Classification: Pathogenic. Last evaluated: 2025-05-15. Review status: criteria provided, single submitter. Criteria: Invitae Variant Classification Sherloc (09022015). Collection method: clinical testing. Allele origin: germline.
Comment: This sequence change creates a premature translational stop signal (p.Ser125*) in the TBX20 gene. It is expected to result in an absent or disrupted protein product. Loss-of-function variants in TBX20 are known to be pathogenic (PMID: 15901664, 25625280, 26118961, 27510170). This variant is not present in population databases (gnomAD no frequency). This premature translational stop signal has been observed in individual(s) with clinical features of TBX20-related conditions (PMID: 30820038). ClinVar contains an entry for this variant (Variation ID: 590957). Algorithms developed to predict the effect of sequence changes on RNA splicing suggest that this variant may create or strengthen a splice site. For these reasons, this variant has been classified as Pathogenic.

Victorian Clinical Genetics Services, Murdoch Childrens Research Institute
Classification: Likely pathogenic for Atrial septal defect 4. Last evaluated: 2023-07-17. Review status: criteria provided, single submitter. Criteria: ACMG Guidelines, 2015. Collection method: clinical testing. Allele origin: germline. Inheritance: Autosomal dominant inheritance.
Comment: Based on the classification scheme VCGS_Germline_v1.3.4, this variant is classified as Likely pathogenic. Following criteria are met: 0103 - Loss of function and gain of function are known mechanisms of disease in this gene and are associated with atrial septal defect 4 (MIM#611363). Loss of function is associated with null and missense variants while gain of function has been reported for missense variants (PMIDs: 27642787, 19762328). (I) 0107 - This gene is associated with autosomal dominant disease. (I) 0201 - Variant is predicted to cause nonsense-mediated decay (NMD) and loss of protein (premature termination codon is located at least 54 nucleotides upstream of the final exon-exon junction). (SP) 0251 - This variant is heterozygous. (I) 0301 - Variant is absent from gnomAD (both v2 and v3). (SP) 0703 - Other NMD-predicted variants comparable to the one identified in this case have moderate previous evidence for pathogenicity (ClinVar; PMIDs: 27510170, 28553164). (SP) 0803 - This variant has limited previous evidence of pathogenicity in unrelated individuals. This variant has been reported once in a study of individuals with bicuspid aortic valve/thoracic aortic aneurysm (PMID: 30820038). (SP) 0905 - No published segregation evidence has been identified for this variant. (I) 1007 - No published functional evidence has been identified for this variant. (I) Legend: (SP) - Supporting pathogenic, (I) - Information, (SB) - Supporting benign

Centre of Medical Genetics, University of Antwerp
Classification: Uncertain significance for Aortic valve disease 1. Last evaluated: 2018-11-14. Review status: no assertion criteria provided. Collection method: research. Allele origin: germline. Affected: yes. Observed: 1 variant allele. Not counted in ClinVar's aggregate classification.

Literature cited by the submitters: PubMed 15901664 (cited by Labcorp Genetics (formerly Invitae), Labcorp); PubMed 25625280 (cited by Labcorp Genetics (formerly Invitae), Labcorp); PubMed 26118961 (cited by Labcorp Genetics (formerly Invitae), Labcorp); PubMed 27510170 (cited by Labcorp Genetics (formerly Invitae), Labcorp and Victorian Clinical Genetics Services, Murdoch Childrens Research Institute); PubMed 30820038 (cited by Labcorp Genetics (formerly Invitae), Labcorp and Victorian Clinical Genetics Services, Murdoch Childrens Research Institute); PubMed 19762328 (cited by Victorian Clinical Genetics Services, Murdoch Childrens Research Institute); PubMed 27642787 (cited by Victorian Clinical Genetics Services, Murdoch Childrens Research Institute); PubMed 28553164 (cited by Victorian Clinical Genetics Services, Murdoch Childrens Research Institute).

NM_001077653.2(TBX20):c.374C>A (p.Ser125Ter)

Gene: TBX20 (T-box transcription factor 20; minus strand). Cytogenetic location: 7p14.2.
Variant type: single nucleotide variant.
Coding change: c.374C>A on transcript NM_001077653.2 (MANE Select); coding-DNA position 374, C replaced by A.
Protein change: p.Ser125Ter; replaces serine 125 with a stop codon.
Molecular consequence: nonsense.
Genome position (GRCh38, 1-based): chr7:35,249,957, G>T on the plus strand (C>A on the coding strand, the complement: TBX20 is on the minus strand). VCF-style: chr7-35249957-G-T. GRCh37 (hg19) VCF-style: chr7-35289569-G-T.
Other names: c.374C>A, p.Ser125Ter (LRG_755t1, NM_001166220.1); short protein forms S125*.
Identifiers: ClinVar variation 590957 (VCV000590957.7), dbSNP rs766692577, ClinGen allele CA367264890.